The following is an entry in ClinVar:

NM_001384732.1(CPLANE1):c.8539_8540del (p.Glu2847fs)

Gene: CPLANE1 (ciliogenesis and planar polarity effector complex subunit 1; minus strand). Cytogenetic location: 5p13.2.
Variant type: Deletion.
Coding change: c.8539_8540del on transcript NM_001384732.1 (MANE Select); coding-DNA positions 8539 to 8540, 2 bases deleted (GA; older notation c.8539_8540delGA).
Protein change: p.Glu2847fs; shifts the reading frame from glutamic acid 2847.
Molecular consequence: frameshift variant.
Genome position (GRCh38, 1-based): chr5:37,142,402-37,142,403, TC deleted on the plus strand (GA on the coding strand, the reverse complement: CPLANE1 is on the minus strand); deleting any 2 consecutive bases within chr5:37,142,402-37,142,404 gives the same sequence; the c. name uses the placement nearest the transcript's 3' end. VCF-style (leftmost placement, unchanged base first): chr5-37142401-TTC-T. GRCh37 (hg19) VCF-style: chr5-37142503-TTC-T.
Other names: c.8377_8378del, p.Glu2793fs (NM_023073.4); short protein forms E2793fs, E2847fs.
Identifiers: ClinVar variation 3900748 (VCV003900748.1).
Genomic context (GRCh38, chr5:37,142,401, plus strand): 5'-GGAAAGGCTGACAGCTGAATCGGCAGTAGGAAACACACAGGTTTTCTGACCAGAATAATT[TTC>T]TGTTATTGAAAATTCAGGTTCTGAAGTCTCCTTTTTGTCACTTTGATCTTCTTCATCCAT-3'

ClinVar aggregate classification (germline): Likely pathogenic (0 of 4 stars; one submission).

Conditions:
Joubert syndrome 17 (JBTS17). Identifiers: Orphanet 475, MedGen C3553264, MONDO:0013824, OMIM 614615.

Submission:

Department of Rehabilitation, Anhui Provincial Children's Hospital
Classification: Likely pathogenic for Joubert syndrome 17. Last evaluated: 2022-09-14. Review status: no assertion criteria provided. Collection method: clinical testing. Allele origin: maternal. Inheritance: Autosomal recessive inheritance. Affected: yes.
Comment: Variants that may have a certain correlation with the clinical phenotype of the disease in the examined individual, but are inconsistent with genetic evidence.